The following is an entry in ClinVar:

ClinVar aggregate classification (germline): Uncertain significance (1 of 4 stars; one submission).

Submission:

CeGaT Center for Human Genetics Tuebingen
Classification: Uncertain significance. Last evaluated: 2024-09-01. Review status: criteria provided, single submitter. Criteria: CeGaT Center For Human Genetics Tuebingen Variant Classification Criteria Version 2. Collection method: clinical testing. Allele origin: germline. Affected: yes. Observed: 1 variant allele.
Comment: RNF170: PM2

NM_030954.4(RNF170):c.626C>G (p.Ala209Gly)

Gene: RNF170 (ring finger protein 170; minus strand). Cytogenetic location: 8p11.21.
Variant type: single nucleotide variant.
Coding change: c.626C>G on transcript NM_030954.4 (MANE Select); coding-DNA position 626, C replaced by G.
Protein change: p.Ala209Gly; replaces alanine 209 with glycine.
Molecular consequence: missense variant. On other transcripts: non-coding transcript variant (2), intron variant (1).
Genome position (GRCh38, 1-based): chr8:42,856,310, G>C on the plus strand (C>G on the coding strand, the complement: RNF170 is on the minus strand). VCF-style: chr8-42856310-G-C. GRCh37 (hg19) VCF-style: chr8-42711453-G-C.
Other names: c.626C>G, p.Ala209Gly (NM_001160223.2); c.374C>G, p.Ala125Gly (NM_001160225.2); c.397-5313C>G (NM_001160224.2); short protein forms A125G, A209G.
Identifiers: ClinVar variation 3389345 (VCV003389345.14).